The following is an entry in ClinVar:

NM_005585.5(SMAD6):c.1465G>T (p.Glu489Ter)

Gene: SMAD6 (SMAD family member 6; plus strand). Cytogenetic location: 15q22.31.
Variant type: single nucleotide variant.
Coding change: c.1465G>T on transcript NM_005585.5 (MANE Select); coding-DNA position 1465, G replaced by T.
Protein change: p.Glu489Ter; replaces glutamic acid 489 with a stop codon.
Molecular consequence: nonsense. On other transcripts: non-coding transcript variant (1).
Genome position (GRCh38, 1-based): chr15:66,781,509, G>T. VCF-style: chr15-66781509-G-T. GRCh37 (hg19) VCF-style: chr15-67073847-G-T.
Other names: short protein forms E489*.
Identifiers: ClinVar variation 2858522 (VCV002858522.3), dbSNP rs2541900244, ClinGen allele CA393202594.

ClinVar aggregate classification (germline): Uncertain significance (1 of 4 stars; one submission).

Conditions:
Aortic valve disease 2 (AOVD2). Identifiers: MedGen C3542024, MONDO:0013902, OMIM 614823.

Submission:

Labcorp Genetics (formerly Invitae), Labcorp
Classification: Uncertain significance for Aortic valve disease 2. Last evaluated: 2023-04-23. Review status: criteria provided, single submitter. Criteria: Invitae Variant Classification Sherloc (09022015). Collection method: clinical testing. Allele origin: germline.
Comment: This sequence change creates a premature translational stop signal (p.Glu489*) in the SMAD6 gene. While this is not anticipated to result in nonsense mediated decay, it is expected to disrupt the last 8 amino acid(s) of the SMAD6 protein. This variant is not present in population databases (gnomAD no frequency). This variant has not been reported in the literature in individuals affected with SMAD6-related conditions. Experimental studies and prediction algorithms are not available or were not evaluated, and the functional significance of this variant is currently unknown. In summary, the available evidence is currently insufficient to determine the role of this variant in disease. Therefore, it has been classified as a Variant of Uncertain Significance.